The following is an entry in ClinVar:

NM_000089.4(COL1A2):c.3070G>A (p.Gly1024Arg)

Gene: COL1A2 (collagen type I alpha 2 chain; plus strand). Cytogenetic location: 7q21.3.
Variant type: single nucleotide variant.
Coding change: c.3070G>A on transcript NM_000089.4 (MANE Select); coding-DNA position 3070, G replaced by A.
Protein change: p.Gly1024Arg; replaces glycine 1024 with arginine.
Molecular consequence: missense variant.
Genome position (GRCh38, 1-based): chr7:94,426,495, G>A. VCF-style: chr7-94426495-G-A. GRCh37 (hg19) VCF-style: chr7-94055807-G-A.
Other names: c.3070G>A (NM_000089.3); short protein forms G1024R.
Identifiers: ClinVar variation 1328474 (VCV001328474.4), dbSNP rs2115954840, ClinGen allele CA368225205.

ClinVar aggregate classification (germline): Pathogenic/Likely pathogenic. Review status: criteria provided, multiple submitters, no conflicts (2 of 4 stars). 3 submissions from 3 submitters: Pathogenic (2); Likely pathogenic (1). Last evaluated 2024-10-07.

Conditions:
COL1A2-related disorder. Also called: COL1A2-related condition; COL1A2-Related Disorders.
Osteogenesis imperfecta, perinatal lethal (OI2). Also called: OSTEOGENESIS IMPERFECTA, TYPE II; OI, TYPE II; OSTEOGENESIS IMPERFECTA CONGENITA; VROLIK TYPE OF OSTEOGENESIS IMPERFECTA; Osteogenesis imperfecta type 2; Osteogenesis imperfecta, dominant perinatal lethal. Identifiers: Orphanet 216804, MedGen C0268358, MONDO:0008147, OMIM 166210.
Osteogenesis imperfecta (OI). Identifiers: Orphanet 666, MedGen C0029434, MeSH D010013, MONDO:0019019.

Submissions (3):

Victorian Clinical Genetics Services, Murdoch Childrens Research Institute
Classification: Pathogenic for Osteogenesis imperfecta, perinatal lethal. Last evaluated: 2024-10-07. Review status: criteria provided, single submitter. Criteria: ACMG Guidelines, 2015. Collection method: clinical testing. Allele origin: germline. Affected: yes.
Comment: This variant is classified as Pathogenic. Evidence in support of pathogenic classification: Variant is absent from gnomAD (v2, v3 and v4); This variant has moderate previous evidence of pathogenicity in unrelated individuals. This variant has been reported once as likely pathogenic and once as pathogenic (ClinVar). An alternative nucleotide change resulting in the same protein outcome has also been reported in a family with two infants with lethal osteogenesis imperfecta (PMID: 21239989); Variant is located in the well-established functional Gly-X-Y repeat region and affects a glycine residue (DECIPHER); Missense variant consistently predicted to be damaging by in silico tool or highly conserved with a major amino acid change; Additional information: Variant is predicted to result in a missense amino acid change from glycine to arginine; This variant is heterozygous; This gene is associated with both recessive and dominant disease. Most phenotypes associated with this gene are autosomal dominant; however, the cardiac valvular type of Ehlers-Danlos syndrome (MIM#225320) is recessive (OMIM); No published segregation evidence has been identified for this variant; No published functional evidence has been identified for this variant; No comparable missense variants have previous evidence for pathogenicity; Dominant negative and loss of function are known mechanisms of disease in this gene. Heterozygous missense variants causing severe and lethal forms of osteogenesis imperfecta (MIM#s166210, 259420 & 166220) are due to a dominant negative mechanism, whereas biallelic loss of function variants result in the autosomal recessive form of Ehlers-Danlos syndrome (MIM#225320). The exact mechanism of disease for the autosomal dominant form of Ehlers-Danlos syndrome (MIM#2617821) remains unclear; however, variants have been shown to result in the whole or partial skipping of exon 6 (PMID: 12362985, PMID: 31218159); Variants in this gene are known to have variable expressivity (PMID: 20301472).

PreventionGenetics, part of Exact Sciences
Classification: Pathogenic for COL1A2-related condition. Last evaluated: 2023-05-15. Review status: criteria provided, single submitter. Criteria: ACMG Guidelines, 2015. Collection method: clinical testing. Allele origin: germline.
Comment: The COL1A2 c.3070G>A variant is predicted to result in the amino acid substitution p.Gly1024Arg. The p.Gly1024 amino acid is located in the conserved Gly-Xaa-Yaa triple helical domain where substitutions of a glycine are usually pathogenic (Marini et al. 2007. PubMed ID: 17078022). In addition, the p.Gly1024Arg was reported in one individual with osteogenesis imperfecta (Table 3, Pyott. 2011. PubMed ID: 21239989). This variant has not been reported in a large population database, indicating this variant is rare. In summary, this variant is interpreted as pathogenic.

Institute of Human Genetics, Cologne University
Classification: Likely pathogenic for Osteogenesis imperfecta. Last evaluated: 2021-08-20. Review status: criteria provided, single submitter. Criteria: ACMG Guidelines, 2015. Collection method: clinical testing. Allele origin: unknown. Affected: yes.

Literature cited by the submitters: PubMed 12362985 (cited by Victorian Clinical Genetics Services, Murdoch Childrens Research Institute); PubMed 20301472 (cited by Victorian Clinical Genetics Services, Murdoch Childrens Research Institute); PubMed 31218159 (cited by Victorian Clinical Genetics Services, Murdoch Childrens Research Institute); PubMed 21239989 (cited by Victorian Clinical Genetics Services, Murdoch Childrens Research Institute).